The following is an entry in ClinVar:

NM_006329.4(FBLN5):c.209_211del (p.Pro70del)

Gene: FBLN5 (fibulin 5; minus strand). Cytogenetic location: 14q32.12.
Variant type: Deletion.
Coding change: c.209_211del on transcript NM_006329.4 (MANE Select); coding-DNA positions 209 to 211, 3 bases deleted (CCC; older notation c.209_211delCCC).
Protein change: p.Pro70del; deletes proline 70.
Molecular consequence: inframe deletion.
Genome position (GRCh38, 1-based): chr14:91,937,115-91,937,117, GGG deleted on the plus strand (CCC on the coding strand, the reverse complement: FBLN5 is on the minus strand); deleting any 3 consecutive bases within chr14:91,937,115-91,937,118 gives the same sequence; the c. name uses the placement nearest the transcript's 3' end. VCF-style (leftmost placement, unchanged base first): chr14-91937114-CGGG-C. GRCh37 (hg19) VCF-style: chr14-92403458-CGGG-C.
Other names: c.332_334del, p.Pro111del (NM_001384158.1); c.260_262del, p.Pro87del (NM_001384159.1); c.209_211del, p.Pro70del (NM_001384160.1); c.41_43del, p.Pro14del (NM_001384161.1, NM_001384162.1); short protein forms P70del, P111del, P14del, P87del.
Identifiers: ClinVar variation 2752401 (VCV002752401.3), dbSNP rs2542901093, ClinGen allele CA2697554097.

ClinVar aggregate classification (germline): Uncertain significance (1 of 4 stars; one submission).

Submission:

Labcorp Genetics (formerly Invitae), Labcorp
Classification: Uncertain significance. Last evaluated: 2023-08-14. Review status: criteria provided, single submitter. Criteria: Invitae Variant Classification Sherloc (09022015). Collection method: clinical testing. Allele origin: germline.
Comment: This variant, c.209_211del, results in the deletion of 1 amino acid(s) of the FBLN5 protein (p.Pro70del), but otherwise preserves the integrity of the reading frame. This variant is not present in population databases (gnomAD no frequency). This variant has not been reported in the literature in individuals affected with FBLN5-related conditions. Experimental studies and prediction algorithms are not available or were not evaluated, and the functional significance of this variant is currently unknown. In summary, the available evidence is currently insufficient to determine the role of this variant in disease. Therefore, it has been classified as a Variant of Uncertain Significance.